The following is an entry in ClinVar:

ClinVar aggregate classification (germline): Conflicting classifications of pathogenicity. Review status: criteria provided, conflicting classifications (1 of 4 stars). 5 submissions from 5 submitters: Uncertain significance (2); Likely benign (1). 2 of the submissions do not count toward it. Last evaluated 2025-04-03.

Conditions:
Hereditary breast ovarian cancer syndrome. Also called: Hereditary breast and ovarian cancer syndrome; Hereditary breast and ovarian cancer; Hereditary breast and ovarian cancer syndrome (HBOC); Breast and ovarian cancer; Hereditary breast and/or ovarian cancer syndrome; BRCA1- and BRCA2-Associated Hereditary Breast and Ovarian Cancer. Identifiers: Orphanet 145, MedGen C0677776, MeSH D061325, MONDO:0003582. Disease mechanism: loss of function.
BRCA2-related cancer predisposition. Identifiers: MedGen CN377758, MONDO:0700269.
Hereditary cancer-predisposing syndrome. Also called: Neoplastic Syndromes, Hereditary; Tumor predisposition; Hereditary neoplastic syndrome; Hereditary Cancer Syndrome. Identifiers: Orphanet 140162, MedGen C0027672, MeSH D009386, MONDO:0015356.
Breast-ovarian cancer, familial, susceptibility to, 2 (BROVCA2). Also called: BRCA2 Hereditary Breast and Ovarian Cancer. Identifiers: Orphanet 145, MedGen C2675520, MONDO:0012933, OMIM 612555. Disease mechanism: loss of function.

Allele frequency attached by ClinVar (database versions not stated): gnomAD exomes 0.00001.
gnomAD v4.1: 4 of 1,613,944 alleles (0.00025%); highest among the groups gnomAD compares: Non-Finnish European, 0.00034%; no homozygotes.

Submissions (5):

Labcorp Genetics (formerly Invitae), Labcorp
Classification: Uncertain significance for Hereditary breast ovarian cancer syndrome. Last evaluated: 2025-04-03. Review status: criteria provided, single submitter. Criteria: Invitae Variant Classification Sherloc (09022015). Collection method: clinical testing. Allele origin: germline.
Comment: This sequence change replaces glycine, which is neutral and non-polar, with glutamic acid, which is acidic and polar, at codon 2813 of the BRCA2 protein (p.Gly2813Glu). This variant is not present in population databases (gnomAD no frequency). This missense change has been observed in individual(s) with glioma (PMID: 26580448). ClinVar contains an entry for this variant (Variation ID: 52589). Invitae Evidence Modeling incorporating data from in vitro experimental studies (PMID: 33609447) indicates that this missense variant is not expected to disrupt BRCA2 function with a negative predictive value of 95%. Experimental studies have shown that this missense change does not substantially affect BRCA2 function (PMID: 23108138, 29394989). In summary, the available evidence is currently insufficient to determine the role of this variant in disease. Therefore, it has been classified as a Variant of Uncertain Significance.

All of Us Research Program, National Institutes of Health
Classification: Uncertain significance for BRCA2-related cancer predisposition. Last evaluated: 2024-08-13. Review status: criteria provided, single submitter. Criteria: ACMG Guidelines, 2015. Collection method: clinical testing. Allele origin: germline. Inheritance: Autosomal dominant inheritance. Observed: 1 variant allele, 1 heterozygote.
Comment: This missense variant replaces glycine with glutamic acid at codon 2813 of the BRCA2 protein. Computational prediction suggests that this variant may have deleterious impact on protein structure and function. Functional studies have reported that the variant protein does not impact BRCA2 function in homology-directed DNA repair assays (PMID: 23108138, 29394989). This variant has not been identified in the general population by the Genome Aggregation Database (gnomAD). The available evidence is insufficient to determine the role of this variant in disease conclusively. Therefore, this variant is classified as a Variant of Uncertain Significance.

This study involves interpretation of variants in research participants for the purpose of population health screening. Participant phenotype was not available at the time of variant classification. Additional details can be found in publication PMID: 35346344, PMCID: PMC8962531

Ambry Genetics
Classification: Likely benign for Hereditary cancer-predisposing syndrome. Last evaluated: 2024-01-30. Review status: criteria provided, single submitter. Criteria: Ambry Variant Classification Scheme 2023. Collection method: clinical testing. Allele origin: germline.

Counsyl
Classification: Uncertain significance for Breast-ovarian cancer, familial, susceptibility to, 2. Last evaluated: 2017-02-24. Review status: no assertion criteria provided. Collection method: clinical testing. Allele origin: unknown. Not counted in ClinVar's aggregate classification.

Breast Cancer Information Core (BIC) (BRCA2)
Classification: Uncertain significance for Breast-ovarian cancer, familial 2. Last evaluated: 2000-06-12. Review status: no assertion criteria provided. Collection method: clinical testing. Allele origin: germline. Affected: yes. Observed: 2 variant alleles. Not counted in ClinVar's aggregate classification.

Literature cited by the submitters: PubMed 26580448 (cited by Labcorp Genetics (formerly Invitae), Labcorp and Counsyl); PubMed 33609447 (cited by Labcorp Genetics (formerly Invitae), Labcorp and Ambry Genetics); PubMed 23108138 (cited by 4 submitters); PubMed 29394989 (cited by 3 submitters); PubMed 12228710 (cited by Ambry Genetics); PubMed 19043619 (cited by Ambry Genetics); PubMed 29884841 (cited by Ambry Genetics); PubMed 31853058 (cited by Ambry Genetics); PubMed 22632462 (cited by Counsyl).

NM_000059.4(BRCA2):c.8438G>A (p.Gly2813Glu)

Gene: BRCA2 (BRCA2 DNA repair associated; plus strand). Cytogenetic location: 13q13.1.
Variant type: single nucleotide variant.
Coding change: c.8438G>A on transcript NM_000059.4 (MANE Select); coding-DNA position 8438, G replaced by A.
Protein change: p.Gly2813Glu; replaces glycine 2813 with glutamic acid.
Molecular consequence: missense variant.
Genome position (GRCh38, 1-based): chr13:32,370,508, G>A. VCF-style: chr13-32370508-G-A. GRCh37 (hg19) VCF-style: chr13-32944645-G-A.
Other names: short protein forms G2813E.
Identifiers: ClinVar variation 52589 (VCV000052589.16), dbSNP rs80359092, ClinGen allele CA025646.